The following is an entry in ClinVar:

NM_024301.5(FKRP):c.236T>C (p.Val79Ala)

Gene: FKRP (fukutin related protein; plus strand). Cytogenetic location: 19q13.32.
Variant type: single nucleotide variant.
Coding change: c.236T>C on transcript NM_024301.5 (MANE Select); coding-DNA position 236, T replaced by C.
Protein change: p.Val79Ala; replaces valine 79 with alanine.
Molecular consequence: missense variant.
Genome position (GRCh38, 1-based): chr19:46,755,686, T>C. VCF-style: chr19-46755686-T-C. GRCh37 (hg19) VCF-style: chr19-47258943-T-C.
Other names: c.236T>C, p.Val79Ala (NM_001039885.3); c.236T>C (NM_024301.4); short protein forms V79A.
Identifiers: ClinVar variation 1429624 (VCV001429624.10), dbSNP rs2054894918, ClinGen allele CA406494937.
Genomic context (GRCh38, chr19:46,755,686, plus strand): 5'-TTGACAACGCGGTGCCCGAGCTGGTAGACTCCTTCCTGCAGCAAGACCCAGCCCAGCCCG[T>C]GGTGGTGGCAGCCGACACGCTCCCCTACCCGCCCCTGGCCCTGCCCCGCATCCCCAACGT-3'
Protein context (NP_077277.1, residues 69-89): SFLQQDPAQP[Val79Ala]VVAADTLPYP

ClinVar aggregate classification (germline): Uncertain significance. Review status: criteria provided, multiple submitters, no conflicts (2 of 4 stars). 3 submissions from 3 submitters: Uncertain significance (2). 1 of the submissions does not count toward it. Last evaluated 2024-12-03.

Conditions:
Autosomal recessive limb-girdle muscular dystrophy type 2I. Also called: MUSCULAR DYSTROPHY-DYSTROGLYCANOPATHY (LIMB-GIRDLE), TYPE C, 5; MUSCULAR DYSTROPHY, LIMB-GIRDLE, TYPE 2I; MUSCULAR DYSTROPHY-DYSTROGLYCANOPATHY, LIMB-GIRDLE, FRKP-RELATED. Identifiers: Orphanet 34515, MedGen C1846672, MONDO:0011787, OMIM 607155.
Walker-Warburg congenital muscular dystrophy. Also called: Muscular dystrophy-dystroglycanopathy, type A; Walker-Warburg syndrome. Identifiers: Orphanet 899, MedGen C0265221, MONDO:0000171.
Cardiovascular phenotype. Identifiers: MedGen CN230736.

Allele frequency attached by ClinVar (database versions not stated): gnomAD exomes below 0.00001; gnomAD 0.00001.
gnomAD v4.1: 2 of 1,589,992 alleles (0.00013%); highest among the groups gnomAD compares: African/African-American, 0.0027%; no homozygotes.

Submissions (3):

Labcorp Genetics (formerly Invitae), Labcorp
Classification: Uncertain significance for Walker-Warburg congenital muscular dystrophy. Last evaluated: 2024-12-03. Review status: criteria provided, single submitter. Criteria: Invitae Variant Classification Sherloc (09022015). Collection method: clinical testing. Allele origin: germline.
Comment: This sequence change replaces valine, which is neutral and non-polar, with alanine, which is neutral and non-polar, at codon 79 of the FKRP protein (p.Val79Ala). This variant is not present in population databases (gnomAD no frequency). This variant has not been reported in the literature in individuals affected with FKRP-related conditions. ClinVar contains an entry for this variant (Variation ID: 1429624). Invitae Evidence Modeling of protein sequence and biophysical properties (such as structural, functional, and spatial information, amino acid conservation, physicochemical variation, residue mobility, and thermodynamic stability) indicates that this missense variant is expected to disrupt FKRP protein function with a positive predictive value of 80%. In summary, the available evidence is currently insufficient to determine the role of this variant in disease. Therefore, it has been classified as a Variant of Uncertain Significance.

Ambry Genetics
Classification: Uncertain significance for Cardiovascular phenotype. Last evaluated: 2023-10-19. Review status: criteria provided, single submitter. Criteria: Ambry Variant Classification Scheme 2023. Collection method: clinical testing. Allele origin: germline.
Comment: The p.V79A variant (also known as c.236T>C), located in coding exon 1 of the FKRP gene, results from a T to C substitution at nucleotide position 236. The valine at codon 79 is replaced by alanine, an amino acid with similar properties. This amino acid position is conserved. In addition, the in silico prediction for this alteration is inconclusive. Since supporting evidence is limited at this time, the clinical significance of this alteration remains unclear.

Natera, Inc.
Classification: Uncertain significance for Limb-girdle muscular dystrophy type 2I. Last evaluated: 2025-03-31. Review status: no assertion criteria provided. Collection method: clinical testing. Allele origin: germline. Not counted in ClinVar's aggregate classification.